The following is an entry in ClinVar:

ClinVar aggregate classification (germline): Uncertain significance (1 of 4 stars; one submission).

Conditions:
3-methylcrotonyl-CoA carboxylase 2 deficiency. Also called: METHYLCROTONYLGLYCINURIA, TYPE II; 3 alpha methylcrotonyl-CoA carboxylase 2 deficiency; 3 alpha methylcrotonylglycinuria 2; MCC 2 deficiency; Methylcrotonylglycinuria type 2. Identifiers: Orphanet 6, MedGen C1859499, MONDO:0008862, OMIM 210210.

gnomAD v4.1: 1 of 1,614,202 alleles (0.000062%); highest among the groups gnomAD compares: South Asian, 0.0011%; no homozygotes.

Submission:

Labcorp Genetics (formerly Invitae), Labcorp
Classification: Uncertain significance for 3-methylcrotonyl-CoA carboxylase 2 deficiency. Last evaluated: 2022-06-14. Review status: criteria provided, single submitter. Criteria: Invitae Variant Classification Sherloc (09022015). Collection method: clinical testing. Allele origin: germline.
Comment: This sequence change replaces proline, which is neutral and non-polar, with arginine, which is basic and polar, at codon 435 of the MCCC2 protein (p.Pro435Arg). This variant is present in population databases (no rsID available, gnomAD 0.003%). This variant has not been reported in the literature in individuals affected with MCCC2-related conditions. Advanced modeling of protein sequence and biophysical properties (such as structural, functional, and spatial information, amino acid conservation, physicochemical variation, residue mobility, and thermodynamic stability) performed at Invitae indicates that this missense variant is expected to disrupt MCCC2 protein function. In summary, the available evidence is currently insufficient to determine the role of this variant in disease. Therefore, it has been classified as a Variant of Uncertain Significance.

NM_022132.5(MCCC2):c.1304C>G (p.Pro435Arg)

Gene: MCCC2 (methylcrotonyl-CoA carboxylase subunit 2; plus strand). Cytogenetic location: 5q13.2.
Variant type: single nucleotide variant.
Coding change: c.1304C>G on transcript NM_022132.5 (MANE Select); coding-DNA position 1304, C replaced by G.
Protein change: p.Pro435Arg; replaces proline 435 with arginine.
Molecular consequence: missense variant.
Genome position (GRCh38, 1-based): chr5:71,649,184, C>G. VCF-style: chr5-71649184-C-G. GRCh37 (hg19) VCF-style: chr5-70945011-C-G.
Other names: c.1190C>G, p.Pro397Arg (NM_001363147.1); short protein forms P435R, P397R.
Identifiers: ClinVar variation 1957800 (VCV001957800.2), dbSNP rs1355102697, ClinGen allele CA359997541.